The following is an entry in ClinVar:

ClinVar aggregate classification (germline): Uncertain significance (1 of 4 stars; one submission).

Submission:

Labcorp Genetics (formerly Invitae), Labcorp
Classification: Uncertain significance. Last evaluated: 2024-07-12. Review status: criteria provided, single submitter. Criteria: Invitae Variant Classification Sherloc (09022015). Collection method: clinical testing. Allele origin: germline.
Comment: This sequence change replaces leucine, which is neutral and non-polar, with valine, which is neutral and non-polar, at codon 726 of the MCM6 protein (p.Leu726Val). This variant is not present in population databases (gnomAD no frequency). This variant has not been reported in the literature in individuals affected with MCM6-related conditions. An algorithm developed to predict the effect of missense changes on protein structure and function (PolyPhen-2) suggests that this variant is likely to be tolerated. In summary, the available evidence is currently insufficient to determine the role of this variant in disease. Therefore, it has been classified as a Variant of Uncertain Significance.

NM_005915.6(MCM6):c.2176C>G (p.Leu726Val)

Gene: MCM6 (minichromosome maintenance complex component 6; minus strand). Cytogenetic location: 2q21.3.
Variant type: single nucleotide variant.
Coding change: c.2176C>G on transcript NM_005915.6 (MANE Select); coding-DNA position 2176, C replaced by G.
Protein change: p.Leu726Val; replaces leucine 726 with valine.
Molecular consequence: missense variant.
Genome position (GRCh38, 1-based): chr2:135,846,270, G>C on the plus strand (C>G on the coding strand, the complement: MCM6 is on the minus strand). VCF-style: chr2-135846270-G-C. GRCh37 (hg19) VCF-style: chr2-136603840-G-C.
Other names: short protein forms L726V.
Identifiers: ClinVar variation 3631799 (VCV003631799.2).